The following is an entry in ClinVar:

ClinVar aggregate classification (germline): Pathogenic (1 of 4 stars; one submission).

Conditions:
Wiskott-Aldrich syndrome 2 (WAS2). Also called: WIPF1 DEFICIENCY. Identifiers: Orphanet 906, MedGen C3281001, MONDO:0013779, OMIM 614493.

Submission:

Labcorp Genetics (formerly Invitae), Labcorp
Classification: Pathogenic for Wiskott-Aldrich syndrome 2. Last evaluated: 2024-12-31. Review status: criteria provided, single submitter. Criteria: Invitae Variant Classification Sherloc (09022015). Collection method: clinical testing. Allele origin: germline.
Comment: This sequence change creates a premature translational stop signal (p.Gly95Alafs*17) in the WIPF1 gene. It is expected to result in an absent or disrupted protein product. Loss-of-function variants in WIPF1 are known to be pathogenic (PMID: 22231303, 27742395). This variant is not present in population databases (gnomAD no frequency). This variant has not been reported in the literature in individuals affected with WIPF1-related conditions. For these reasons, this variant has been classified as Pathogenic.

Literature cited by the submitters: PubMed 22231303; PubMed 27742395.

NM_001375834.1(WIPF1):c.284del (p.Gly95fs)

Genes: WIPF1 (WAS/WASL interacting protein family member 1; minus strand), WIPF1-AS1 (WIPF1 and CHRNA1 antisense RNA 1; plus strand). Cytogenetic location: 2q31.1.
Variant type: Deletion.
Coding change: c.284del on transcript NM_001375834.1 (MANE Select); coding-DNA position 284, one base deleted (G; older notation c.284delG).
Protein change: p.Gly95fs; shifts the reading frame from glycine 95.
Molecular consequence: frameshift variant. On other transcripts: intron variant (1).
Genome position (GRCh38, 1-based): chr2:174,575,278, C deleted on the plus strand (G on the coding strand, the reverse complement: WIPF1 is on the minus strand); the first of 5 consecutive C bases (chr2:174,575,278-174,575,282); deleting any one gives the same sequence. VCF-style (leftmost placement, unchanged base first): chr2-174575277-GC-G. GRCh37 (hg19) VCF-style: chr2-175440005-GC-G.
Other names: c.284del, p.Gly95fs (NM_001077269.1, NM_001375832.1, NM_001375833.1 and 5 more transcripts); c.182-3033del (NM_001375839.1); short protein forms G95fs.
Identifiers: ClinVar variation 3728324 (VCV003728324.2).